The following is an entry in ClinVar:

ClinVar aggregate classification (germline): Benign (1 of 4 stars; one submission).

Allele frequency attached by ClinVar (database versions not stated): gnomAD exomes 0.03128; gnomAD 0.08346 and 0.08588; TOPMed 0.08980; 1000 Genomes Project 0.09864; 1000 Genomes Project 30x 0.10337.

Submission:

GeneDx
Classification: Benign. Last evaluated: 2018-06-14. Review status: criteria provided, single submitter. Criteria: GeneDx Variant Classification (06012015). Collection method: clinical testing. Allele origin: germline. Affected: yes.
Comment: This variant is considered likely benign or benign based on one or more of the following criteria: it is a conservative change, it occurs at a poorly conserved position in the protein, it is predicted to be benign by multiple in silico algorithms, and/or has population frequency not consistent with disease.

NM_001083962.2(TCF4):c.990+179_990+182dup

Gene: TCF4 (transcription factor 4; minus strand). Cytogenetic location: 18q21.2.
Variant type: Duplication.
Coding change: c.990+179_990+182dup on transcript NM_001083962.2 (MANE Select); bases 179 to 182 of the intron after coding-DNA position 990, 4 bases duplicated (ATAG; older notation c.990+179_990+182dupATAG).
Molecular consequence: intron variant.
Genome position (GRCh38, 1-based): chr18:55,261,284-55,261,287, CTAT duplicated on the plus strand (ATAG on the coding strand, the reverse complement: TCF4 is on the minus strand). VCF-style (leftmost placement, unchanged base first): chr18-55261283-A-ACTAT. GRCh37 (hg19) VCF-style: chr18-52928514-A-ACTAT.
Other names: c.1296+179_1296+182dup (NM_001243226.3); c.915+179_915+182dup (NM_001369584.1, NM_001369576.1, NM_001369585.1 and 3 more transcripts); c.918+179_918+182dup (NM_001369577.1, NM_001369582.1, NM_001243227.2 and 9 more transcripts); c.990+179_990+182dup (NM_001369571.1, NM_001369567.1, NM_001369572.1 and 4 more transcripts); c.1008+179_1008+182dup (NM_001243228.2); c.984+179_984+182dup (NM_001243230.2); c.987+179_987+182dup (NM_001369569.1, NM_001369573.1, NM_001369570.1); c.864+179_864+182dup (NM_001243231.2, NM_001348211.2); and 4 more.
Identifiers: ClinVar variation 676980 (VCV000676980.1), dbSNP rs149477248, ClinGen allele CA300819120.